The following is an entry in ClinVar:

ClinVar aggregate classification (germline): Pathogenic (1 of 4 stars; one submission).

Conditions:
POLG-related disorder. Also called: POLG-Related Spectrum Disorders; POLG-related condition; POLG-Related Disorders. Identifiers: MedGen C4763519.

Submission:

Myriad Genetics, Inc.
Classification: Pathogenic for POLG-related disorder. Last evaluated: 2026-01-17. Review status: criteria provided, single submitter. Criteria: Myriad Autosomal Dominant, Autosomal Recessive and X-Linked Classification Criteria (2023). Collection method: clinical testing. Allele origin: unknown.
Comment: NM_002693.2(POLG):c.150_151delGC(Q51Afs*192) is expected to be pathogenic in the context of POLG-related disorders. This variant is predicted to lead to an abnormal or absent protein product due to the creation of a premature termination codon in POLG, a gene where loss-of-function variants are known to be pathogenic. Please note: this variant was assessed in the context of healthy population screening.

NM_002693.3(POLG):c.150_151del (p.Gln51fs)

Genes: POLG (DNA polymerase gamma, catalytic subunit; minus strand), POLGARF (POLG alternative reading frame; minus strand). Cytogenetic location: 15q26.1.
Variant type: Deletion.
Coding change: c.150_151del on transcript NM_002693.3 (MANE Select); coding-DNA positions 150 to 151, 2 bases deleted (GC; older notation c.150_151delGC).
Protein change: p.Gln51fs; shifts the reading frame from glutamine 51.
Molecular consequence: frameshift variant.
Genome position (GRCh38, 1-based): chr15:89,333,604-89,333,605, GC deleted on the plus strand (GC on the coding strand, the reverse complement: POLG is on the minus strand). VCF-style (leftmost placement, unchanged base first): chr15-89333603-TGC-T. GRCh37 (hg19) VCF-style: chr15-89876834-TGC-T.
Other names: c.205_206del, p.Ala69fs (NM_001430120.1); c.150_151del, p.Gln51fs (NM_001126131.2); short protein forms A69fs, Q51fs.
Identifiers: ClinVar variation 5015431 (VCV005015431.1).